The following is an entry in ClinVar:

ClinVar aggregate classification (germline): Uncertain significance (1 of 4 stars; one submission).

Submission:

GeneDx
Classification: Uncertain significance. Last evaluated: 2025-07-12. Review status: criteria provided, single submitter. Criteria: GeneDx Variant Classification Process June 2021. Collection method: clinical testing. Allele origin: germline.
Comment: In-frame deletion of 4 amino acid(s) in a non-repeat region; Not observed at significant frequency in large population cohorts (gnomAD); In silico analysis supports a deleterious effect on protein structure/function; Has not been previously published as pathogenic or benign to our knowledge

NM_000142.5(FGFR3):c.1085_1096del (p.Glu362_Glu365del)

Gene: FGFR3 (fibroblast growth factor receptor 3; plus strand). Cytogenetic location: 4p16.3.
Variant type: Deletion.
Coding change: c.1085_1096del on transcript NM_000142.5 (MANE Select); coding-DNA positions 1085 to 1096, 12 bases deleted (AGCTGGTGGAGG).
Protein change: p.Glu362_Glu365del.
Molecular consequence: inframe deletion. On other transcripts: inframe indel (1), non-coding transcript variant (1), intron variant (1).
Genome position (GRCh38, 1-based): chr4:1,804,339-1,804,350, AGCTGGTGGAGG deleted; deleting any 12 consecutive bases within chr4:1,804,334-1,804,350 gives the same sequence; the c. name uses the placement nearest the transcript's 3' end. VCF-style (leftmost placement, unchanged base first): chr4-1804333-AGGAGGAGCTGGT-A. GRCh37 (hg19) VCF-style: chr4-1806060-AGGAGGAGCTGGT-A.
Other names: c.1085_1096delAGCTGGTGGAGG, p.Glu362_Glu365del (NM_000142.4); c.1091_1102del, p.Glu364_Glu367del (NM_001163213.2); c.1085_1096del, p.Glu362_Glu365del (NM_001354809.2, NM_001354810.2); c.931-485_931-474del (NM_022965.4).
Identifiers: ClinVar variation 2430694 (VCV002430694.2), dbSNP rs1721590753, ClinGen allele CA1433506682.